The following is an entry in ClinVar:

NM_000256.3(MYBPC3):c.1898-1G>A

Gene: MYBPC3 (myosin binding protein C3; minus strand). Cytogenetic location: 11p11.2.
Variant type: single nucleotide variant.
Coding change: c.1898-1G>A on transcript NM_000256.3 (MANE Select); the canonical splice acceptor site of the intron before coding-DNA position 1898, G replaced by A.
Molecular consequence: splice acceptor variant.
Genome position (GRCh38, 1-based): chr11:47,341,033, C>T on the plus strand (G>A on the coding strand, the complement: MYBPC3 is on the minus strand). VCF-style: chr11-47341033-C-T. GRCh37 (hg19) VCF-style: chr11-47362584-C-T.
Identifiers: ClinVar variation 180958 (VCV000180958.11), dbSNP rs730880558, ClinGen allele CA011484.

ClinVar aggregate classification (germline): Pathogenic/Likely pathogenic. Review status: criteria provided, multiple submitters, no conflicts (2 of 4 stars). 3 submissions from 3 submitters: Pathogenic (2); Likely pathogenic (1). Last evaluated 2020-07-29.

Conditions:
Hypertrophic cardiomyopathy. Also called: HYPERTROPHIC MYOCARDIOPATHY. Identifiers: Orphanet 217569, MedGen C0007194, MeSH D002312, MONDO:0005045, HP:0001639.

Allele frequency attached by ClinVar (database versions not stated): gnomAD exomes below 0.00001.
gnomAD v4.1: 1 of 1,576,458 alleles (0.000063%); highest among the groups gnomAD compares: Admixed American, 0.0018%; no homozygotes.

Submissions (3):

Labcorp Genetics (formerly Invitae), Labcorp
Classification: Pathogenic for Hypertrophic cardiomyopathy. Last evaluated: 2020-07-29. Review status: criteria provided, single submitter. Criteria: Invitae Variant Classification Sherloc (09022015). Collection method: clinical testing. Allele origin: germline.
Comment: For these reasons, this variant has been classified as Pathogenic. Donor and acceptor splice site variants typically lead to a loss of protein function (PMID: 16199547), and loss-of-function variants in MYBPC3 are known to be pathogenic (PMID: 19574547). Experimental studies have shown that this variant disrupts mRNA splicing (PMID: 31112421). This variant has been observed in individual(s) with hypertrophic cardiomyopathy (PMID: 23283745, 27532257, 31112421). ClinVar contains an entry for this variant (Variation ID: 180958). This variant is not present in population databases (ExAC no frequency). This sequence change affects an acceptor splice site in intron 19 of the MYBPC3 gene. It is expected to disrupt RNA splicing and likely results in an absent or disrupted protein product.

GeneDx
Classification: Pathogenic. Last evaluated: 2012-08-14. Review status: criteria provided, single submitter. Criteria: GeneDx Variant Classification (06012015). Collection method: clinical testing. Allele origin: germline. Affected: yes.
Comment: c.1898-1 G>A:IVS19-1 G>A in intron 19 of the MYBPC3 gene (NM_000256.3). Although the c.1898-1 G>A mutation in the MYBPC3 gene has not been reported as a disease-causing mutation or as a benign polymorphism to our knowledge, this mutation destroys the canonical splice acceptor site in intron 19 and is predicted to cause abnormal gene splicing. This mutation is expected to lead to either an abnormal message that is subject to nonsense-mediated mRNA decay, or to an abnormal protein product if the message is used for protein translation. Other splice site mutations in the MYBPC3 gene have been reported in association with HCM. In summary, c.1898-1 G>A in the MYBPC3 gene is interpreted as a disease-causing mutation. Mutations in the MYBPC3 gene have been reported in 20%-30% of patients with autosomal dominant familial hypertrophic cardiomyopathy, and have been reported less frequently in patients with autosomal dominant familial dilated cardiomyopathy (Cirino A et al., 2011; Hershberger R et al., 2009). The variant is found in HCM panel(s).

Stanford Center for Inherited Cardiovascular Disease, Stanford University
Classification: Likely pathogenic. Last evaluated: 2012-08-03. Review status: criteria provided, single submitter. Criteria: ACMG Guidelines, 2015. Collection method: provider interpretation. Allele origin: germline.

Literature cited by the submitters: PubMed 16199547 (cited by Labcorp Genetics (formerly Invitae), Labcorp); PubMed 19574547 (cited by Labcorp Genetics (formerly Invitae), Labcorp); PubMed 31112421 (cited by Labcorp Genetics (formerly Invitae), Labcorp); PubMed 23283745 (cited by Labcorp Genetics (formerly Invitae), Labcorp); PubMed 27532257 (cited by Labcorp Genetics (formerly Invitae), Labcorp).